The following is an entry in ClinVar:

NM_001004334.4(GPR179):c.5187T>G (p.Asn1729Lys)

Gene: GPR179 (G protein-coupled receptor 179; minus strand). Cytogenetic location: 17q12.
Variant type: single nucleotide variant.
Coding change: c.5187T>G on transcript NM_001004334.4 (MANE Select); coding-DNA position 5187, T replaced by G.
Protein change: p.Asn1729Lys; replaces asparagine 1729 with lysine.
Molecular consequence: missense variant.
Genome position (GRCh38, 1-based): chr17:38,328,382, A>C on the plus strand (T>G on the coding strand, the complement: GPR179 is on the minus strand). VCF-style: chr17-38328382-A-C. GRCh37 (hg19) VCF-style: chr17-36484265-A-C.
Other names: short protein forms N1729K.
Identifiers: ClinVar variation 1934327 (VCV001934327.6), dbSNP rs1174545209, ClinGen allele CA398873072.

ClinVar aggregate classification (germline): Uncertain significance. Review status: criteria provided, multiple submitters, no conflicts (2 of 4 stars). 2 submissions from 2 submitters: Uncertain significance (2). Last evaluated 2022-12-05.

Conditions:
Inborn genetic diseases. Identifiers: MedGen C0950123, MeSH D030342.

Allele frequency attached by ClinVar (database versions not stated): TOPMed below 0.00001.
gnomAD v4.1: 4 of 1,612,608 alleles (0.00025%); highest among the groups gnomAD compares: Middle Eastern, 0.017%; no homozygotes.

Submissions (2):

Labcorp Genetics (formerly Invitae), Labcorp
Classification: Uncertain significance. Last evaluated: 2022-12-05. Review status: criteria provided, single submitter. Criteria: Invitae Variant Classification Sherloc (09022015). Collection method: clinical testing. Allele origin: germline.
Comment: Algorithms developed to predict the effect of missense changes on protein structure and function output the following: SIFT: "Deleterious"; PolyPhen-2: "Benign"; Align-GVGD: "Class C0". The lysine amino acid residue is found in multiple mammalian species, which suggests that this missense change does not adversely affect protein function. This variant has not been reported in the literature in individuals affected with GPR179-related conditions. This variant is not present in population databases (gnomAD no frequency). This sequence change replaces asparagine, which is neutral and polar, with lysine, which is basic and polar, at codon 1729 of the GPR179 protein (p.Asn1729Lys). In summary, the available evidence is currently insufficient to determine the role of this variant in disease. Therefore, it has been classified as a Variant of Uncertain Significance.

Ambry Genetics
Classification: Uncertain significance for Inborn genetic diseases. Last evaluated: 2021-09-27. Review status: criteria provided, single submitter. Criteria: Ambry Variant Classification Scheme 2023. Collection method: clinical testing. Allele origin: germline.